The following is an entry in ClinVar:

ClinVar aggregate classification (germline): Uncertain significance (1 of 4 stars; one submission).

Submission:

Labcorp Genetics (formerly Invitae), Labcorp
Classification: Uncertain significance. Last evaluated: 2024-04-04. Review status: criteria provided, single submitter. Criteria: Invitae Variant Classification Sherloc (09022015). Collection method: clinical testing. Allele origin: germline.
Comment: This variant, c.230_232del, results in the deletion of 1 amino acid(s) of the COQ8A protein (p.Gly77del), but otherwise preserves the integrity of the reading frame. This variant is not present in population databases (gnomAD no frequency). This variant has not been reported in the literature in individuals affected with COQ8A-related conditions. In summary, the available evidence is currently insufficient to determine the role of this variant in disease. Therefore, it has been classified as a Variant of Uncertain Significance.

NM_020247.5(COQ8A):c.230_232del (p.Gly77del)

Gene: COQ8A (coenzyme Q8A; plus strand). Cytogenetic location: 1q42.13.
Variant type: Deletion.
Coding change: c.230_232del on transcript NM_020247.5 (MANE Select); coding-DNA positions 230 to 232, 3 bases deleted (GGG; older notation c.230_232delGGG).
Protein change: p.Gly77del; deletes glycine 77.
Genome position (GRCh38, 1-based): chr1:226,965,052-226,965,054, GGG deleted; deleting any 3 consecutive bases within chr1:226,965,051-226,965,054 gives the same sequence; the c. name uses the placement nearest the transcript's 3' end. VCF-style (leftmost placement, unchanged base first): chr1-226965050-AGGG-A. GRCh37 (hg19) VCF-style: chr1-227152751-AGGG-A.
Other names: short protein forms G77del.
Identifiers: ClinVar variation 3648824 (VCV003648824.2).